The following is an entry in ClinVar:

NM_003476.5(CSRP3):c.38G>A (p.Cys13Tyr)

Gene: CSRP3 (cysteine and glycine rich protein 3; minus strand). Cytogenetic location: 11p15.1.
Variant type: single nucleotide variant.
Coding change: c.38G>A on transcript NM_003476.5 (MANE Select); coding-DNA position 38, G replaced by A.
Protein change: p.Cys13Tyr; replaces cysteine 13 with tyrosine.
Molecular consequence: missense variant.
Genome position (GRCh38, 1-based): chr11:19,192,411, C>T on the plus strand (G>A on the coding strand, the complement: CSRP3 is on the minus strand). VCF-style: chr11-19192411-C-T. GRCh37 (hg19) VCF-style: chr11-19213958-C-T.
Other names: c.38G>A, p.Cys13Tyr (NM_001127656.1, NM_001369404.1); short protein forms C13Y.
Identifiers: ClinVar variation 2928674 (VCV002928674.4), dbSNP rs182726860, ClinGen allele CA5916684.
Genomic context (GRCh38, chr11:19,192,411, plus strand): 5'-GTCTTGTGGAAACTCCTTCCATTGCACTGGATTTCTTCTGCATGGTAGACGGTCTTTTCA[C>T]AGGCTCCACATTTTGCGCCTCCGCCCCAGTTTGGCATCTTGAAGACTATCTGGTCAAGGT-3'
Protein context (NP_003467.1, residues 3-23): NWGGGAKCGA[Cys13Tyr]EKTVYHAEEI

ClinVar aggregate classification (germline): Uncertain significance. Review status: criteria provided, multiple submitters, no conflicts (2 of 4 stars). 2 submissions from 2 submitters: Uncertain significance (2). Last evaluated 2026-01-13.

Conditions:
Hypertrophic cardiomyopathy 12. Identifiers: MedGen C2677491, MONDO:0012804, OMIM 612124.
Dilated cardiomyopathy 1M (CMD1M). Identifiers: Orphanet 154, MedGen C1843808, MONDO:0011840, OMIM 607482.

Allele frequency attached by ClinVar (database versions not stated): gnomAD exomes below 0.00001; ExAC 0.00001; gnomAD 0.00001; 1000 Genomes Project 30x 0.00016; 1000 Genomes Project 0.00020.
gnomAD v4.1: 2 of 1,614,216 alleles (0.00012%); highest among the groups gnomAD compares: East Asian, 0.0022%; no homozygotes.

Submissions (2):

Labcorp Genetics (formerly Invitae), Labcorp
Classification: Uncertain significance for Hypertrophic cardiomyopathy 12; Dilated cardiomyopathy 1M. Last evaluated: 2026-01-13. Review status: criteria provided, single submitter. Criteria: Invitae Variant Classification Sherloc (09022015). Collection method: clinical testing. Allele origin: germline.
Comment: This sequence change replaces cysteine, which is neutral and slightly polar, with tyrosine, which is neutral and polar, at codon 13 of the CSRP3 protein (p.Cys13Tyr). This variant is present in population databases (rs182726860, gnomAD 0.006%). This variant has not been reported in the literature in individuals affected with CSRP3-related conditions. ClinVar contains an entry for this variant (Variation ID: 2928674). An algorithm developed to predict the effect of missense changes on protein structure and function (PolyPhen-2) suggests that this variant is likely to be disruptive. In summary, the available evidence is currently insufficient to determine the role of this variant in disease. Therefore, it has been classified as a Variant of Uncertain Significance.

ARUP Laboratories, Molecular Genetics and Genomics, ARUP Laboratories
Classification: Uncertain significance. Last evaluated: 2024-11-21. Review status: criteria provided, single submitter. Criteria: ARUP Molecular Germline Variant Investigation Process 2024. Collection method: clinical testing. Allele origin: germline.
Comment: The CSRP3 c.38G>A; p.Cys13Tyr variant (rs182726860), to our knowledge, is not reported in the medical literature but is reported in ClinVar (Variation ID: 2928674). This variant is only observed on one allele in the Genome Aggregation Database (v2.1.1), indicating it is not a common polymorphism. Computational analyses predict that this variant is deleterious (REVEL: 0.977). However, given the lack of clinical and functional data, the significance of this variant is uncertain at this time.